The following is an entry in ClinVar:

NM_001540.5(HSPB1):c.275C>T (p.Ala92Val)

Gene: HSPB1 (heat shock protein family B (small) member 1; plus strand). Cytogenetic location: 7q11.23.
Variant type: single nucleotide variant.
Coding change: c.275C>T on transcript NM_001540.5 (MANE Select); coding-DNA position 275, C replaced by T.
Protein change: p.Ala92Val; replaces alanine 92 with valine.
Molecular consequence: missense variant.
Genome position (GRCh38, 1-based): chr7:76,302,987, C>T. VCF-style: chr7-76302987-C-T. GRCh37 (hg19) VCF-style: chr7-75932304-C-T.
Other names: short protein forms A92V.
Identifiers: ClinVar variation 1373067 (VCV001373067.8), dbSNP rs771014888, ClinGen allele CA4306299.

ClinVar aggregate classification (germline): Uncertain significance (1 of 4 stars; one submission).

Conditions:
Charcot-Marie-Tooth disease axonal type 2F (CMT2F). Also called: Charcot-Marie-Tooth Neuropathy Type 2F; CHARCOT-MARIE-TOOTH DISEASE, NEURONAL, TYPE 2F. Identifiers: Orphanet 99940, MedGen C1847823, MONDO:0011687, OMIM 606595.

gnomAD v4.1: 5 of 1,543,614 alleles (0.00032%); highest among the groups gnomAD compares: South Asian, 0.0059%; no homozygotes.

Submission:

Labcorp Genetics (formerly Invitae), Labcorp
Classification: Uncertain significance for Charcot-Marie-Tooth disease axonal type 2F. Last evaluated: 2021-03-31. Review status: criteria provided, single submitter. Criteria: Invitae Variant Classification Sherloc (09022015). Collection method: clinical testing. Allele origin: germline.
Comment: The frequency data for this variant in the population databases is considered unreliable, as metrics indicate poor data quality at this position in the ExAC database. This sequence change replaces alanine with valine at codon 92 of the HSPB1 protein (p.Ala92Val). The alanine residue is moderately conserved and there is a small physicochemical difference between alanine and valine. In summary, the available evidence is currently insufficient to determine the role of this variant in disease. Therefore, it has been classified as a Variant of Uncertain Significance. Algorithms developed to predict the effect of missense changes on protein structure and function (SIFT, PolyPhen-2, Align-GVGD) all suggest that this variant is likely to be tolerated, but these predictions have not been confirmed by published functional studies and their clinical significance is uncertain. This variant has not been reported in the literature in individuals with HSPB1-related conditions.